The following is an entry in ClinVar:

NM_033380.3(COL4A5):c.4898C>T (p.Ala1633Val)

Gene: COL4A5 (collagen type IV alpha 5 chain; plus strand). Cytogenetic location: Xq22.3.
Variant type: single nucleotide variant.
Coding change: c.4898C>T on transcript NM_033380.3 (MANE Select); coding-DNA position 4898, C replaced by T.
Protein change: p.Ala1633Val; replaces alanine 1633 with valine.
Molecular consequence: missense variant.
Genome position (GRCh38, 1-based): chrX:108,695,343, C>T. VCF-style: chrX-108695343-C-T. GRCh37 (hg19) VCF-style: chrX-107938573-C-T.
Other names: c.4880C>T, p.Ala1627Val (NM_000495.5); c.4880C>T (NM_000495.4, NM_000495.3); short protein forms A1627V, A1633V.
Identifiers: ClinVar variation 591064 (VCV000591064.7), dbSNP rs982188184, ClinGen allele CA334063356.

ClinVar aggregate classification (germline): Uncertain significance. Review status: criteria provided, multiple submitters, no conflicts (2 of 4 stars). 6 submissions from 6 submitters: Uncertain significance (5). 1 of the submissions does not count toward it. Last evaluated 2026-01-27.

Conditions:
COL4A5-related disorder. Also called: COL4A5-related condition.
Inborn genetic diseases. Identifiers: MedGen C0950123, MeSH D030342.
X-linked Alport syndrome (ATS1). Also called: COL4A5-Related Nephropathy; NEPHROPATHY AND DEAFNESS, X-LINKED. Identifiers: Orphanet 63, Orphanet 88917, MedGen C4746986, MONDO:0010520, OMIM 301050.

Allele frequency attached by ClinVar (database versions not stated): gnomAD exomes below 0.00001; gnomAD 0.00006; TOPMed 0.00012.
gnomAD v4.1: 18 of 1,209,553 alleles (0.0015%); highest among the groups gnomAD compares: Admixed American, 0.013%; 1 homozygote.

Submissions (6):

Dasa
Classification: Uncertain significance. Last evaluated: 2026-01-27. Review status: criteria provided, single submitter. Criteria: DASA Assertion Criteria. Collection method: clinical testing. Allele origin: germline.
Comment: NM_033380.3(COL4A5):c.4898C>T (p.Ala1633Val) is a missense variant that results in the substitution of alanine with valine. This variant is rare in population databases. Computational prediction algorithms are consistent with a deleterious effect. The currently available literature and clinical evidence are not sufficient to establish a definitive association between this variant and the reported condition. Therefore, this variant is classified as a variant of uncertain significance.

PreventionGenetics, part of Exact Sciences
Classification: Uncertain significance for COL4A5-related condition. Last evaluated: 2026-01-05. Review status: criteria provided, single submitter. Criteria: ACMG Guidelines, 2015. Collection method: clinical testing. Allele origin: germline.
Comment: The COL4A5 c.4880C>T variant is predicted to result in the amino acid substitution p.Ala1627Val. To our knowledge, this variant has not been reported in the literature or in a large population database (gnomAD), indicating this variant is rare. At this time, the clinical significance of this variant is uncertain due to the absence of conclusive functional and genetic evidence.

Ambry Genetics
Classification: Uncertain significance for Inborn genetic diseases. Last evaluated: 2025-05-13. Review status: criteria provided, single submitter. Criteria: Ambry Variant Classification Scheme 2023. Collection method: clinical testing. Allele origin: germline.

Labcorp Genetics (formerly Invitae), Labcorp
Classification: Uncertain significance. Last evaluated: 2025-01-08. Review status: criteria provided, single submitter. Criteria: Invitae Variant Classification Sherloc (09022015). Collection method: clinical testing. Allele origin: germline.
Comment: This sequence change replaces alanine, which is neutral and non-polar, with valine, which is neutral and non-polar, at codon 1627 of the COL4A5 protein (p.Ala1627Val). This variant is not present in population databases (gnomAD no frequency). This variant has not been reported in the literature in individuals affected with COL4A5-related conditions. ClinVar contains an entry for this variant (Variation ID: 591064). Invitae Evidence Modeling of protein sequence and biophysical properties (such as structural, functional, and spatial information, amino acid conservation, physicochemical variation, residue mobility, and thermodynamic stability) indicates that this missense variant is not expected to disrupt COL4A5 protein function with a negative predictive value of 95%. In summary, the available evidence is currently insufficient to determine the role of this variant in disease. Therefore, it has been classified as a Variant of Uncertain Significance.

Fulgent Genetics
Classification: Uncertain significance for X-linked Alport syndrome. Last evaluated: 2022-01-03. Review status: criteria provided, single submitter. Criteria: ACMG Guidelines, 2015. Collection method: clinical testing. Allele origin: unknown.

Gharavi Laboratory, Columbia University
Classification: Uncertain significance. Last evaluated: 2018-09-16. Review status: no assertion criteria provided. Criteria: ACMG Guidelines, 2015. Collection method: research. Allele origin: germline. Affected: yes. Not counted in ClinVar's aggregate classification.